The following is an entry in ClinVar:

ClinVar aggregate classification (germline): Uncertain significance (1 of 4 stars; one submission).

Conditions:
Congenital myasthenic syndrome 8. Also called: MYASTHENIC SYNDROME, CONGENITAL, DUE TO AGRIN DEFICIENCY; Myasthenic syndrome, congenital, 8, with pre- and postsynaptic defects. Identifiers: Orphanet 590, MedGen C3808739, MONDO:0014052, OMIM 615120.

Allele frequency attached by ClinVar (database versions not stated): gnomAD below 0.00001 and 0.00001; TOPMed below 0.00001; 1000 Genomes Project 30x 0.00016; 1000 Genomes Project 0.00040.
gnomAD v4.1: 30 of 1,547,586 alleles (0.0019%); highest among the groups gnomAD compares: East Asian, 0.049%; no homozygotes.

Submission:

Labcorp Genetics (formerly Invitae), Labcorp
Classification: Uncertain significance for Congenital myasthenic syndrome 8. Last evaluated: 2020-02-17. Review status: criteria provided, single submitter. Criteria: Invitae Variant Classification Sherloc (09022015). Collection method: clinical testing. Allele origin: germline.
Comment: In summary, the available evidence is currently insufficient to determine the role of this variant in disease. Therefore, it has been classified as a Variant of Uncertain Significance. Algorithms developed to predict the effect of missense changes on protein structure and function are either unavailable or do not agree on the potential impact of this missense change (SIFT: "Deleterious"; PolyPhen-2: "Possibly Damaging"; Align-GVGD: "Class C0"). This variant has not been reported in the literature in individuals with AGRN-related conditions. The frequency data for this variant in the population databases is considered unreliable, as metrics indicate poor data quality at this position in the ExAC database. This sequence change replaces valine with methionine at codon 182 of the AGRN protein (p.Val182Met). The valine residue is highly conserved and there is a small physicochemical difference between valine and methionine.

NM_198576.4(AGRN):c.544G>A (p.Val182Met)

Gene: AGRN (agrin; plus strand). Cytogenetic location: 1p36.33.
Variant type: single nucleotide variant.
Coding change: c.544G>A on transcript NM_198576.4 (MANE Select); coding-DNA position 544, G replaced by A.
Protein change: p.Val182Met; replaces valine 182 with methionine.
Molecular consequence: missense variant.
Genome position (GRCh38, 1-based): chr1:1,040,697, G>A. VCF-style: chr1-1040697-G-A. GRCh37 (hg19) VCF-style: chr1-976077-G-A.
Other names: c.544G>A, p.Val182Met (NM_001305275.2); c.229G>A, p.Val77Met (NM_001364727.2); short protein forms V182M, V77M.
Identifiers: ClinVar variation 1039867 (VCV001039867.7), dbSNP rs561344136, ClinGen allele CA507877.